The following is an entry in ClinVar:

NM_014915.3(ANKRD26):c.2604A>T (p.Glu868Asp)

Gene: ANKRD26 (ankyrin repeat domain containing 26; minus strand). Cytogenetic location: 10p12.1.
Variant type: single nucleotide variant.
Coding change: c.2604A>T on transcript NM_014915.3 (MANE Select); coding-DNA position 2604, A replaced by T.
Protein change: p.Glu868Asp; replaces glutamic acid 868 with aspartic acid.
Molecular consequence: missense variant.
Genome position (GRCh38, 1-based): chr10:27,037,279, T>A on the plus strand (A>T on the coding strand, the complement: ANKRD26 is on the minus strand). VCF-style: chr10-27037279-T-A. GRCh37 (hg19) VCF-style: chr10-27326208-T-A.
Other names: c.2601A>T, p.Glu867Asp (NM_001256053.2); short protein forms E868D, E867D.
Identifiers: ClinVar variation 3870791 (VCV003870791.1).

ClinVar aggregate classification (germline): Uncertain significance (1 of 4 stars; one submission).

Conditions:
Inborn genetic diseases. Identifiers: MedGen C0950123, MeSH D030342.

Submission:

Ambry Genetics
Classification: Uncertain significance for Inborn genetic diseases. Last evaluated: 2025-01-25. Review status: criteria provided, single submitter. Criteria: Ambry Variant Classification Scheme 2023. Collection method: clinical testing. Allele origin: germline.
Comment: The p.E868D variant (also known as c.2604A>T), located in coding exon 23 of the ANKRD26 gene, results from an A to T substitution at nucleotide position 2604. The glutamic acid at codon 868 is replaced by aspartic acid, an amino acid with highly similar properties. This amino acid position is conserved. In addition, this alteration is predicted to be tolerated by in silico analysis. Based on the available evidence, the clinical significance of this variant remains unclear.